The following is an entry in ClinVar:

NC_000003.11:g.(?_120394619)_(120394730_?)del

Gene: HGD (homogentisate 1,2-dioxygenase; minus strand). Cytogenetic location: 3q13.33.
Variant type: Deletion.
Identifiers: ClinVar variation 3246782 (VCV003246782.1).

ClinVar aggregate classification (germline): Likely pathogenic (1 of 4 stars; one submission).

Conditions:
Alkaptonuria (AKU). Also called: HOMOGENTISIC ACID OXIDASE DEFICIENCY; Alkaptonuric ochronosis; Alcaptonuria; Homogentisic acidura. Identifiers: Orphanet 56, MedGen C0002066, MONDO:0008753, OMIM 203500.

Submission:

Labcorp Genetics (formerly Invitae), Labcorp
Classification: Likely pathogenic for Alkaptonuria. Last evaluated: 2023-12-10. Review status: criteria provided, single submitter. Criteria: Invitae Variant Classification Sherloc (09022015). Collection method: clinical testing. Allele origin: unknown.
Comment: This variant is a gross deletion of the genomic region encompassing exon(s) 2 of the HGD gene. This variant would be expected to be in-frame, preserving the integrity of the reading frame. A similar copy number variant has been observed in individual(s) with alkaptonuria (PMID: 24233259). Experimental studies and prediction algorithms are not available or were not evaluated, and the functional significance of this variant is currently unknown. This variant disrupts a region of the HGD protein in which other variant(s) (p.Asp18Asn) have been observed in individuals with HGD-related conditions (PMID: 25681086). This suggests that this is a clinically significant region of the protein, and that variants that disrupt it are likely to be disease-causing. In summary, the currently available evidence indicates that the variant is pathogenic, but additional data are needed to prove that conclusively. Therefore, this variant has been classified as Likely Pathogenic.

Literature cited by the submitters: PubMed 24233259; PubMed 25681086.